The following is an entry in ClinVar:

ClinVar aggregate classification (germline): Benign/Likely benign. Review status: criteria provided, multiple submitters, no conflicts (2 of 4 stars). 3 submissions from 3 submitters: Benign (1); Likely benign (2). Last evaluated 2026-01-01.

Allele frequency attached by ClinVar (database versions not stated): gnomAD exomes 0.00024; ExAC 0.00030; ESP Exome Variant Server 0.00069; gnomAD 0.00080; TOPMed 0.00082; 1000 Genomes Project 0.00120; 1000 Genomes Project 30x 0.00125.
gnomAD v4.1: 222 of 1,613,374 alleles (0.014%); highest among the groups gnomAD compares: African/African-American, 0.25%; 1 homozygote.

Submissions (3):

Dasa
Classification: Likely benign. Last evaluated: 2026-01-01. Review status: criteria provided, single submitter. Criteria: DASA Assertion Criteria. Collection method: clinical testing. Allele origin: germline.
Comment: NM_005918.4(MDH2):c.633+9A>C is a splice-region variant. Population frequency is inconsistent with a disease-causing role for this variant, and the variant context is inconsistent with a known disease-causing mechanism. Computational prediction algorithms are consistent with a benign effect. Therefore, based on the currently available evidence, this variant is classified as likely benign.

Labcorp Genetics (formerly Invitae), Labcorp
Classification: Benign. Last evaluated: 2025-11-13. Review status: criteria provided, single submitter. Criteria: Invitae Variant Classification Sherloc (09022015). Collection method: clinical testing. Allele origin: germline.

Blueprint Genetics
Classification: Likely benign. Last evaluated: 2023-12-04. Review status: criteria provided, single submitter. Criteria: ACMG Guidelines, 2015. Collection method: clinical testing. Allele origin: germline.

NM_005918.4(MDH2):c.633+9A>C

Gene: MDH2 (malate dehydrogenase 2; plus strand). Cytogenetic location: 7q11.23.
Variant type: single nucleotide variant.
Coding change: c.633+9A>C on transcript NM_005918.4 (MANE Select); 9 bases into the intron after coding-DNA position 633, A replaced by C.
Molecular consequence: intron variant.
Genome position (GRCh38, 1-based): chr7:76,063,601, A>C. VCF-style: chr7-76063601-A-C. GRCh37 (hg19) VCF-style: chr7-75692919-A-C.
Other names: c.507+9A>C (NM_001282403.2); c.312+9A>C (NM_001282404.2).
Identifiers: ClinVar variation 721823 (VCV000721823.12), dbSNP rs371439165, ClinGen allele CA4305621.
Genomic context (GRCh38, chr7:76,063,601, plus strand): 5'-CCCTGTCATTGGTGGCCATGCTGGGAAGACCATCATCCCCCTGATCTCTCAGGTACACGC[A>C]TATGACCCTGTGAGGGGCTTCGAGGTCAGGATTCCCTTTACCAGGCCCTGCTTTGAGGTG-3'